The following is an entry in ClinVar:

NM_000516.7(GNAS):c.722T>C (p.Val241Ala)

Gene: GNAS (GNAS complex locus; plus strand). Cytogenetic location: 20q13.32.
Variant type: single nucleotide variant.
Coding change: c.722T>C on transcript NM_000516.7 (MANE Select); coding-DNA position 722, T replaced by C.
Protein change: p.Val241Ala; replaces valine 241 with alanine.
Molecular consequence: missense variant. On other transcripts: 3 prime UTR variant (2).
Genome position (GRCh38, 1-based): chr20:58,909,687, T>C. VCF-style: chr20-58909687-T-C. GRCh37 (hg19) VCF-style: chr20-57484742-T-C.
Other names: c.725T>C, p.Val242Ala (NM_001077488.5); c.677T>C, p.Val226Ala (NM_001077489.4); c.*583T>C (NM_001077490.3); c.545T>C, p.Val182Ala (NM_001309840.2, NM_001309861.2); c.626T>C, p.Val209Ala (NM_001410912.1); c.2606T>C, p.Val869Ala (NM_001410913.1); c.*628T>C (NM_016592.5); c.2651T>C, p.Val884Ala (NM_080425.4); and 1 more; short protein forms V182A, V209A, V226A, V227A, V241A, V242A, V869A, V884A.
Identifiers: ClinVar variation 3349512 (VCV003349512.2).

ClinVar aggregate classification (germline): Uncertain significance (1 of 4 stars; one submission).

Conditions:
GNAS-related disorder. Identifiers: MedGen CN380105.

Submission:

PreventionGenetics, part of Exact Sciences
Classification: Uncertain significance for GNAS-related condition. Last evaluated: 2026-03-13. Review status: criteria provided, single submitter. Criteria: ACMG Guidelines, 2015. Collection method: clinical testing. Allele origin: germline.
Comment: The GNAS c.722T>C variant is predicted to result in the amino acid substitution p.Val241Ala. To our knowledge, this variant has not been reported in the literature or in a large population database (gnomAD), indicating this variant is rare. At this time, the clinical significance of this variant is uncertain due to the absence of conclusive functional and genetic evidence.